The following is an entry in ClinVar:

ClinVar aggregate classification (germline): Uncertain significance (1 of 4 stars; one submission).

Submission:

Laboratory for Molecular Medicine, Mass General Brigham Personalized Medicine
Classification: Uncertain significance. Last evaluated: 2010-12-17. Review status: criteria provided, single submitter. Criteria: LMM Criteria. Collection method: clinical testing. Allele origin: germline. Observed: 1 variant allele.
Comment: Variant classified as Uncertain Significance - Favor Benign. The *3T>C variant h as not been reported in the literature. It affects the 3rd base of the 3? untran slated region (3?UTR). Although this region can contain elements that regulate mRNA processing, there is no obvious predicted effect of this variant and there are no other pathogenic variants that have been reported in this 3?UTR region of the gene. In summary, although we cannot rule out a deleterious impact on the r egulation of splicing or translation of the ACTC gene, this variant is more like ly benign.

NM_005159.5(ACTC1):c.*3T>C

Genes: ACTC1 (actin alpha cardiac muscle 1; minus strand), GJD2-DT (GJD2 divergent transcript; plus strand). Cytogenetic location: 15q14.
Variant type: single nucleotide variant.
Coding change: c.*3T>C on transcript NM_005159.5 (MANE Select); 3 bases downstream of the stop codon, T replaced by C.
Molecular consequence: 3 prime UTR variant.
Genome position (GRCh38, 1-based): chr15:34,790,409, A>G on the plus strand (T>C on the coding strand, the complement: ACTC1 is on the minus strand). VCF-style: chr15-34790409-A-G. GRCh37 (hg19) VCF-style: chr15-35082610-A-G.
Identifiers: ClinVar variation 177944 (VCV000177944.4), dbSNP rs727504415, ClinGen allele CA019773.